The following is an entry in ClinVar:

ClinVar aggregate classification (germline): Uncertain significance (1 of 4 stars; one submission).

Conditions:
Malignant hyperthermia, susceptibility to, 5 (MHS5). Also called: CACNA1S-Related Malignant Hyperthermia Susceptibility. Identifiers: Orphanet 423, MedGen C1866077, MONDO:0011163, OMIM 601887.
Hypokalemic periodic paralysis, type 1. Also called: HypoPP; Hypokalemic Periodic Paralysis Type 1 (AD). Identifiers: Orphanet 681, MedGen C3714580, MONDO:0042979, OMIM 170400.

Submission:

Labcorp Genetics (formerly Invitae), Labcorp
Classification: Uncertain significance for Hypokalemic periodic paralysis, type 1; Malignant hyperthermia, susceptibility to, 5. Last evaluated: 2021-09-17. Review status: criteria provided, single submitter. Criteria: Invitae Variant Classification Sherloc (09022015). Collection method: clinical testing. Allele origin: germline.
Comment: This sequence change replaces arginine with lysine at codon 165 of the CACNA1S protein (p.Arg165Lys). The arginine residue is highly conserved and there is a small physicochemical difference between arginine and lysine. This variant is not present in population databases (ExAC no frequency). This variant has not been reported in the literature in individuals with CACNA1S-related conditions. Advanced modeling of protein sequence and biophysical properties (such as structural, functional, and spatial information, amino acid conservation, physicochemical variation, residue mobility, and thermodynamic stability) performed at Invitae indicates that this missense variant is not expected to disrupt CACNA1S protein function. In summary, the available evidence is currently insufficient to determine the role of this variant in disease. Therefore, it has been classified as a Variant of Uncertain Significance.

NM_000069.3(CACNA1S):c.494G>A (p.Arg165Lys)

Gene: CACNA1S (calcium voltage-gated channel subunit alpha1 S; minus strand). Cytogenetic location: 1q32.1.
Variant type: single nucleotide variant.
Coding change: c.494G>A on transcript NM_000069.3 (MANE Select); coding-DNA position 494, G replaced by A.
Protein change: p.Arg165Lys; replaces arginine 165 with lysine.
Molecular consequence: missense variant.
Genome position (GRCh38, 1-based): chr1:201,092,019, C>T on the plus strand (G>A on the coding strand, the complement: CACNA1S is on the minus strand). VCF-style: chr1-201092019-C-T. GRCh37 (hg19) VCF-style: chr1-201061147-C-T.
Other names: short protein forms R165K.
Identifiers: ClinVar variation 1519482 (VCV001519482.5), dbSNP rs2102164633, ClinGen allele CA344141757.